The following is an entry in ClinVar:

NM_004229.4(MED14):c.3795G>A (p.Val1265=)

Gene: MED14 (mediator complex subunit 14; minus strand). Cytogenetic location: Xp11.4.
Variant type: single nucleotide variant.
Coding change: c.3795G>A on transcript NM_004229.4 (MANE Select); coding-DNA position 3795, G replaced by A.
Protein change: p.Val1265=; no amino-acid change (valine 1265 retained).
Molecular consequence: synonymous variant.
Genome position (GRCh38, 1-based): chrX:40,659,497, C>T on the plus strand (G>A on the coding strand, the complement: MED14 is on the minus strand). VCF-style: chrX-40659497-C-T. GRCh37 (hg19) VCF-style: chrX-40518749-C-T.
Identifiers: ClinVar variation 2660322 (VCV002660322.24), dbSNP rs1377866661, ClinGen allele CA515969856.

ClinVar aggregate classification (germline): Likely benign (1 of 4 stars; one submission).

Allele frequency attached by ClinVar (database versions not stated): gnomAD exomes 0.00001; TOPMed 0.00001.
gnomAD v4.1: 7 of 1,211,510 alleles (0.00058%); highest among the groups gnomAD compares: South Asian, 0.0088%; no homozygotes.

Submission:

CeGaT Center for Human Genetics Tuebingen
Classification: Likely benign. Last evaluated: 2022-09-01. Review status: criteria provided, single submitter. Criteria: CeGaT Center For Human Genetics Tuebingen Variant Classification Criteria Version 2. Collection method: clinical testing. Allele origin: germline. Affected: yes. Observed: 1 variant allele.
Comment: MED14: BP4, BP7